The following is an entry in ClinVar:

ClinVar aggregate classification (germline): Uncertain significance. Review status: criteria provided, multiple submitters, no conflicts (2 of 4 stars). 3 submissions from 3 submitters: Uncertain significance (3). Last evaluated 2025-02-06.

Conditions:
NLRP1-related disorder. Also called: NLRP1-related condition.

Allele frequency attached by ClinVar (database versions not stated): 1000 Genomes Project 30x 0.00016.
gnomAD v4.1: 59 of 1,614,126 alleles (0.0037%); highest among the groups gnomAD compares: African/African-American, 0.031%; 1 homozygote.

Submissions (3):

PreventionGenetics, part of Exact Sciences
Classification: Uncertain significance for NLRP1-related condition. Last evaluated: 2025-02-06. Review status: criteria provided, single submitter. Criteria: ACMG Guidelines, 2015. Collection method: clinical testing. Allele origin: germline.
Comment: The NLRP1 c.2815G>T variant is predicted to result in the amino acid substitution p.Val939Leu. To our knowledge, this variant has not been reported in the literature. This variant is reported in 0.012% of alleles in individuals of African descent in gnomAD. At this time, the clinical significance of this variant is uncertain due to the absence of conclusive functional and genetic evidence.

Labcorp Genetics (formerly Invitae), Labcorp
Classification: Uncertain significance. Last evaluated: 2025-01-14. Review status: criteria provided, single submitter. Criteria: Invitae Variant Classification Sherloc (09022015). Collection method: clinical testing. Allele origin: germline.
Comment: This sequence change replaces valine, which is neutral and non-polar, with leucine, which is neutral and non-polar, at codon 939 of the NLRP1 protein (p.Val939Leu). This variant is present in population databases (rs61754791, gnomAD 0.01%). This variant has not been reported in the literature in individuals affected with NLRP1-related conditions. ClinVar contains an entry for this variant (Variation ID: 1518150). An algorithm developed to predict the effect of missense changes on protein structure and function outputs the following: PolyPhen-2: "Probably Damaging". The leucine amino acid residue is found in multiple mammalian species, which suggests that this missense change does not adversely affect protein function. In summary, the available evidence is currently insufficient to determine the role of this variant in disease. Therefore, it has been classified as a Variant of Uncertain Significance.

Blueprint Genetics
Classification: Uncertain significance. Last evaluated: 2024-08-13. Review status: criteria provided, single submitter. Criteria: ACMG Guidelines, 2015. Collection method: clinical testing. Allele origin: germline.

NM_033004.4(NLRP1):c.2815G>T (p.Val939Leu)

Gene: NLRP1 (NLR family pyrin domain containing 1; minus strand). Cytogenetic location: 17p13.2.
Variant type: single nucleotide variant.
Coding change: c.2815G>T on transcript NM_033004.4 (MANE Select); coding-DNA position 2815, G replaced by T.
Protein change: p.Val939Leu; replaces valine 939 with leucine.
Molecular consequence: missense variant.
Genome position (GRCh38, 1-based): chr17:5,539,470, C>A on the plus strand (G>T on the coding strand, the complement: NLRP1 is on the minus strand). VCF-style: chr17-5539470-C-A. GRCh37 (hg19) VCF-style: chr17-5442790-C-A.
Other names: c.2815G>T, p.Val939Leu (NM_001033053.3, NM_014922.5, NM_033006.4 and 1 more transcripts); c.2815G>T (NM_033004.3); short protein forms V939L.
Identifiers: ClinVar variation 1518150 (VCV001518150.8), dbSNP rs61754791, ClinGen allele CA8327052.